The following is an entry in ClinVar:

ClinVar aggregate classification (germline): Likely pathogenic (1 of 4 stars; one submission).

Submission:

Dasa
Classification: Likely pathogenic. Last evaluated: 2024-05-09. Review status: criteria provided, single submitter. Criteria: DASA Assertion Criteria. Collection method: clinical testing. Allele origin: germline.
Comment: NM_000088.4(COL1A1):c.662G>T (p.Gly221Val) is a missense variant that results in the substitution of glycine with valine. The affected residue or protein region has prior evidence supporting clinical relevance. This variant has been reported in individuals with COL1A1-related disorders (PMID: 37895885). Also, this variant is absent from population databases. Computational evidence supports a deleterious effect. Based on the currently available evidence, this variant is classified as likely pathogenic.

Literature cited by the submitters: PubMed 37895885.

NM_000088.4(COL1A1):c.662G>T (p.Gly221Val)

Gene: COL1A1 (collagen type I alpha 1 chain; minus strand). Cytogenetic location: 17q21.33.
Variant type: single nucleotide variant.
Coding change: c.662G>T on transcript NM_000088.4 (MANE Select); coding-DNA position 662, G replaced by T.
Protein change: p.Gly221Val; replaces glycine 221 with valine.
Molecular consequence: missense variant.
Genome position (GRCh38, 1-based): chr17:50,197,766, C>A on the plus strand (G>T on the coding strand, the complement: COL1A1 is on the minus strand). VCF-style: chr17-50197766-C-A. GRCh37 (hg19) VCF-style: chr17-48275127-C-A.
Other names: short protein forms G221V.
Identifiers: ClinVar variation 4886394 (VCV004886394.2).